The following is an entry in ClinVar:

ClinVar aggregate classification (germline): Benign/Likely benign. Review status: criteria provided, multiple submitters, no conflicts (2 of 4 stars). 3 submissions from 3 submitters: Benign (1); Likely benign (2). Last evaluated 2026-03-01.

Allele frequency attached by ClinVar (database versions not stated): ExAC 0.01003; TOPMed 0.01082; gnomAD 0.01070 and 0.01124; ESP Exome Variant Server 0.01300; 1000 Genomes Project 30x 0.00593; 1000 Genomes Project 0.00579; gnomAD exomes 0.00991 and 0.01489.
gnomAD v4.1: 22,850 of 1,585,450 alleles (1.4%); highest among the groups gnomAD compares: Non-Finnish European, 1.8%; 206 homozygotes.

Submissions (3):

CeGaT Center for Human Genetics Tuebingen
Classification: Benign. Last evaluated: 2026-03-01. Review status: criteria provided, single submitter. Criteria: CeGaT Center For Human Genetics Tuebingen Variant Classification Criteria Version 2. Collection method: clinical testing. Allele origin: germline. Affected: yes. Observed: 13 variant alleles.
Comment: DNAAF3: BS1, BS2

GeneDx
Classification: Likely benign. Last evaluated: 2018-07-09. Review status: criteria provided, single submitter. Criteria: GeneDx Variant Classification Process June 2021. Collection method: clinical testing. Allele origin: germline. Affected: yes.
Comment: This variant is associated with the following publications: (PMID: 31213628)

Breakthrough Genomics
Classification: Likely benign. Review status: criteria provided, single submitter. Criteria: ACMG Guidelines, 2015. Collection method: not provided. Allele origin: germline. Inheritance: Autosomal recessive inheritance. Affected: yes.

NM_178837.4(DNAAF3):c.-44C>T

Genes: DNAAF3 (dynein axonemal assembly factor 3; minus strand), DNAAF3-AS1 (DNAAF3 antisense RNA 1; plus strand). Cytogenetic location: 19q13.42.
Variant type: single nucleotide variant.
Coding change: c.-44C>T on transcript NM_178837.4; 44 bases upstream of the start codon, C replaced by T.
Molecular consequence: 5 prime UTR variant.
Genome position (GRCh38, 1-based): chr19:55,166,692, G>A on the plus strand (C>T on the coding strand, the complement: DNAAF3 is on the minus strand). VCF-style: chr19-55166692-G-A. GRCh37 (hg19) VCF-style: chr19-55678060-G-A.
Other names: c.-44C>T (NM_001256714.1).
Identifiers: ClinVar variation 1219854 (VCV001219854.28), dbSNP rs73066642, ClinGen allele CA9668350.
Genomic context (GRCh38, chr19:55,166,692, plus strand): 5'-TCAAGCAATGGAAGCATGTGGGATGGGACCACAGCGAGCAACTGACCAATGAGAGTGAGC[G>A]AGGCCCGCCCTCTACAAACTTTTGGCCAATGGGAGCACTGAGGGCCAGCCTTCCCCCACA-3'